The following is an entry in ClinVar:

ClinVar aggregate classification (germline): Likely benign. Review status: criteria provided, multiple submitters, no conflicts (2 of 4 stars). 3 submissions from 3 submitters: Likely benign (2). 1 of the submissions does not count toward it. Last evaluated 2025-12-16.

Conditions:
CDH23-related disorder. Also called: CDH23-related condition; CDH23-related disorders.

Allele frequency attached by ClinVar (database versions not stated): ExAC 0.00005; TOPMed 0.00006; gnomAD 0.00008 and 0.00009.
gnomAD v4.1: 138 of 1,613,588 alleles (0.0086%); highest among the groups gnomAD compares: Admixed American, 0.013%; no homozygotes.

Submissions (3):

Labcorp Genetics (formerly Invitae), Labcorp
Classification: Likely benign. Last evaluated: 2025-12-16. Review status: criteria provided, single submitter. Criteria: Invitae Variant Classification Sherloc (09022015). Collection method: clinical testing. Allele origin: germline.

Blueprint Genetics
Classification: Likely benign. Last evaluated: 2024-07-26. Review status: criteria provided, single submitter. Criteria: ACMG Guidelines, 2015. Collection method: clinical testing. Allele origin: germline.

PreventionGenetics, part of Exact Sciences
Classification: Likely benign for CDH23-related condition. Last evaluated: 2020-02-18. Review status: no assertion criteria provided. Collection method: clinical testing. Allele origin: germline. Not counted in ClinVar's aggregate classification.
Comment: This variant is classified as likely benign based on ACMG/AMP sequence variant interpretation guidelines (Richards et al. 2015 PMID: 25741868, with internal and published modifications).

NM_022124.6(CDH23):c.3285G>C (p.Val1095=)

Genes: C10orf105 (chromosome 10 open reading frame 105; minus strand), CDH23 (cadherin related 23; plus strand). Cytogenetic location: 10q22.1.
Variant type: single nucleotide variant.
Coding change: c.3285G>C on transcript NM_022124.6 (MANE Select); coding-DNA position 3285, G replaced by C.
Protein change: p.Val1095=; no amino-acid change (valine 1095 retained).
Molecular consequence: synonymous variant. On other transcripts: 3 prime UTR variant (2).
Genome position (GRCh38, 1-based): chr10:71,712,729, G>C. VCF-style: chr10-71712729-G-C. GRCh37 (hg19) VCF-style: chr10-73472486-G-C.
Other names: c.*3207C>G (NM_001164375.3, NM_001168390.2); c.3285G>C, p.Val1095= (NM_001171930.2).
Identifiers: ClinVar variation 794166 (VCV000794166.12), dbSNP rs762681991, ClinGen allele CA5544547.